The following is an entry in ClinVar:

ClinVar aggregate classification (germline): Conflicting classifications of pathogenicity. Review status: criteria provided, conflicting classifications (1 of 4 stars). 4 submissions from 4 submitters: Likely pathogenic (2); Uncertain significance (2). Last evaluated 2025-11-07.

Conditions:
Seizure. Also called: Seizures. Identifiers: MedGen C0036572, HP:0001250.
Early-infantile DEE. Also called: Early infantile epileptic encephalopathy with suppression bursts; Ohtahara syndrome; Early infantile epileptic encephalopathy. Identifiers: Orphanet 1934, MedGen C0393706, MONDO:0800491.
KCNQ2-Related Disorders. Also called: KCNQ2-related disorder; KCNQ2-related condition. Identifiers: MedGen CN169299.

Submissions (4):

PreventionGenetics, part of Exact Sciences
Classification: Uncertain significance for KCNQ2-related condition. Last evaluated: 2025-11-07. Review status: criteria provided, single submitter. Criteria: ACMG Guidelines, 2015. Collection method: clinical testing. Allele origin: germline.
Comment: The KCNQ2 c.532G>A variant is predicted to result in the amino acid substitution p.Ala178Thr. To our knowledge, this variant has not been reported in the literature or in a large population database (gnomAD), indicating this variant is rare. An alternate missense change at the same amino acid position (p.Ala178Val) has been reported as de novo in two individuals with KCNQ2-related disease; however, one of these individuals also harbors a SCN1A variant (Table S2, Dong et al. 2020. PubMed ID: 32005694; Xiao et al. 2022. PubMed ID: 35557555). At this time, the clinical significance of this variant is uncertain due to the absence of conclusive functional and genetic evidence.

Cytogénomique, Hospices Civils de Lyon
Classification: Likely pathogenic for Seizure. Last evaluated: 2025-04-09. Review status: criteria provided, single submitter. Criteria: ACMG Guidelines, 2015. Collection method: clinical testing. Allele origin: paternal. Affected: yes.

Labcorp Genetics (formerly Invitae), Labcorp
Classification: Likely pathogenic for Early-infantile DEE. Last evaluated: 2025-03-03. Review status: criteria provided, single submitter. Criteria: Invitae Variant Classification Sherloc (09022015). Collection method: clinical testing. Allele origin: germline.
Comment: This sequence change replaces alanine, which is neutral and non-polar, with threonine, which is neutral and polar, at codon 178 of the KCNQ2 protein (p.Ala178Thr). This variant is not present in population databases (gnomAD no frequency). This missense change has been observed in individual(s) with clinical features of KCNQ2-related conditions (internal data). ClinVar contains an entry for this variant (Variation ID: 444570). Invitae Evidence Modeling of protein sequence and biophysical properties (such as structural, functional, and spatial information, amino acid conservation, physicochemical variation, residue mobility, and thermodynamic stability) indicates that this missense variant is expected to disrupt KCNQ2 protein function with a positive predictive value of 95%. This variant disrupts the p.Ala178 amino acid residue in KCNQ2. Other variant(s) that disrupt this residue have been determined to be pathogenic (PMID: 32005694). This suggests that this residue is clinically significant, and that variants that disrupt this residue are likely to be disease-causing. In summary, the currently available evidence indicates that the variant is pathogenic, but additional data are needed to prove that conclusively. Therefore, this variant has been classified as Likely Pathogenic.

CeGaT Center for Human Genetics Tuebingen
Classification: Uncertain significance. Last evaluated: 2017-05-01. Review status: criteria provided, single submitter. Criteria: CeGaT Center For Human Genetics Tuebingen Variant Classification Criteria Version 2. Collection method: clinical testing. Allele origin: germline. Affected: yes. Observed: 1 variant allele.

Literature cited by the submitters: PubMed 32005694 (cited by Labcorp Genetics (formerly Invitae), Labcorp).

NM_172107.4(KCNQ2):c.532G>A (p.Ala178Thr)

Gene: KCNQ2 (potassium voltage-gated channel subfamily Q member 2; minus strand). Cytogenetic location: 20q13.33.
Variant type: single nucleotide variant.
Coding change: c.532G>A on transcript NM_172107.4 (MANE Select); coding-DNA position 532, G replaced by A.
Protein change: p.Ala178Thr; replaces alanine 178 with threonine.
Molecular consequence: missense variant.
Genome position (GRCh38, 1-based): chr20:63,444,817, C>T on the plus strand (G>A on the coding strand, the complement: KCNQ2 is on the minus strand). VCF-style: chr20-63444817-C-T. GRCh37 (hg19) VCF-style: chr20-62076170-C-T.
Other names: c.532G>A, p.Ala178Thr (NM_004518.6, NM_172106.3, NM_172108.5 and 1 more transcripts); c.532G>A (NM_172107.3); short protein forms A178T.
Identifiers: ClinVar variation 444570 (VCV000444570.54), dbSNP rs1555873790, ClinGen allele CA409654937.